The following is an entry in ClinVar:

NM_003998.4(NFKB1):c.1576G>A (p.Val526Met)

Gene: NFKB1 (nuclear factor kappa B subunit 1; plus strand). Cytogenetic location: 4q24.
Variant type: single nucleotide variant.
Coding change: c.1576G>A on transcript NM_003998.4 (MANE Select); coding-DNA position 1576, G replaced by A.
Protein change: p.Val526Met; replaces valine 526 with methionine.
Molecular consequence: missense variant.
Genome position (GRCh38, 1-based): chr4:102,597,600, G>A. VCF-style: chr4-102597600-G-A. GRCh37 (hg19) VCF-style: chr4-103518757-G-A.
Other names: c.1573G>A, p.Val525Met (NM_001165412.2, NM_001319226.2, NM_001382627.1); c.1576G>A, p.Val526Met (NM_001382625.1, NM_001382626.1); c.1534G>A, p.Val512Met (NM_001382628.1); short protein forms V512M, V525M, V526M.
Identifiers: ClinVar variation 3608122 (VCV003608122.2).

ClinVar aggregate classification (germline): Uncertain significance (1 of 4 stars; one submission).

gnomAD v4.1: 19 of 1,613,950 alleles (0.0012%); highest among the groups gnomAD compares: East Asian, 0.018%; no homozygotes.

Submission:

Labcorp Genetics (formerly Invitae), Labcorp
Classification: Uncertain significance. Last evaluated: 2024-12-16. Review status: criteria provided, single submitter. Criteria: Invitae Variant Classification Sherloc (09022015). Collection method: clinical testing. Allele origin: germline.
Comment: This sequence change replaces valine, which is neutral and non-polar, with methionine, which is neutral and non-polar, at codon 526 of the NFKB1 protein (p.Val526Met). The frequency data for this variant in the population databases is considered unreliable, as metrics indicate poor data quality at this position in the gnomAD database. This variant has not been reported in the literature in individuals affected with NFKB1-related conditions. Invitae Evidence Modeling of protein sequence and biophysical properties (such as structural, functional, and spatial information, amino acid conservation, physicochemical variation, residue mobility, and thermodynamic stability) indicates that this missense variant is not expected to disrupt NFKB1 protein function with a negative predictive value of 80%. In summary, the available evidence is currently insufficient to determine the role of this variant in disease. Therefore, it has been classified as a Variant of Uncertain Significance.